The following is an entry in ClinVar:

NM_001170629.2(CHD8):c.5817C>T (p.Arg1939=)

Gene: CHD8 (chromodomain helicase DNA binding protein 8; minus strand). Cytogenetic location: 14q11.2.
Variant type: single nucleotide variant.
Coding change: c.5817C>T on transcript NM_001170629.2 (MANE Select); coding-DNA position 5817, C replaced by T.
Protein change: p.Arg1939=; no amino-acid change (arginine 1939 retained).
Molecular consequence: synonymous variant.
Genome position (GRCh38, 1-based): chr14:21,393,978, G>A on the plus strand (C>T on the coding strand, the complement: CHD8 is on the minus strand). VCF-style: chr14-21393978-G-A. GRCh37 (hg19) VCF-style: chr14-21862137-G-A.
Other names: c.4980C>T, p.Arg1660= (NM_020920.4).
Identifiers: ClinVar variation 784679 (VCV000784679.18), dbSNP rs140310602, ClinGen allele CA7090886.

ClinVar aggregate classification (germline): Likely benign. Review status: criteria provided, multiple submitters, no conflicts (2 of 4 stars). 4 submissions from 4 submitters: Likely benign (4). Last evaluated 2026-03-01.

Conditions:
Inborn genetic diseases. Identifiers: MedGen C0950123, MeSH D030342.

Allele frequency attached by ClinVar (database versions not stated): 1000 Genomes Project 30x 0.00016; 1000 Genomes Project 0.00020; gnomAD exomes 0.00020 and 0.00050; TOPMed 0.00021; ESP Exome Variant Server 0.00025; gnomAD 0.00028 and 0.00029; ExAC 0.00030.
gnomAD v4.1: 775 of 1,613,950 alleles (0.048%); highest among the groups gnomAD compares: Non-Finnish European, 0.062%; 1 homozygote.

Submissions (4):

CeGaT Center for Human Genetics Tuebingen
Classification: Likely benign. Last evaluated: 2026-03-01. Review status: criteria provided, single submitter. Criteria: CeGaT Center For Human Genetics Tuebingen Variant Classification Criteria Version 2. Collection method: clinical testing. Allele origin: germline. Affected: yes. Observed: 1 variant allele.
Comment: CHD8: BP4, BP7

Labcorp Genetics (formerly Invitae), Labcorp
Classification: Likely benign. Last evaluated: 2025-09-21. Review status: criteria provided, single submitter. Criteria: Invitae Variant Classification Sherloc (09022015). Collection method: clinical testing. Allele origin: germline.

GeneDx
Classification: Likely benign. Last evaluated: 2020-02-13. Review status: criteria provided, single submitter. Criteria: GeneDx Variant Classification Process June 2021. Collection method: clinical testing. Allele origin: germline. Affected: yes.

Ambry Genetics
Classification: Likely benign for Inborn genetic diseases. Last evaluated: 2017-09-06. Review status: criteria provided, single submitter. Criteria: Ambry Variant Classification Scheme 2023. Collection method: clinical testing. Allele origin: germline.